The following is an entry in ClinVar:

ClinVar aggregate classification (germline): Benign/Likely benign. Review status: criteria provided, multiple submitters, no conflicts (2 of 4 stars). 4 submissions from 4 submitters: Benign (2); Likely benign (1). 1 of the submissions does not count toward it. Last evaluated 2026-01-16.

Conditions:
DBH-related disorder. Also called: DBH-related condition.
Orthostatic hypotension 1 (ORTHYP1). Also called: Dopamine beta-hydroxylase deficiency; NORADRENALINE DEFICIENCY; NOREPINEPHRINE DEFICIENCY; Orthostatic hypotension 1, due to DBH deficiency. Identifiers: Orphanet 230, MedGen C4746777, MONDO:0009123, OMIM 223360.

Allele frequency attached by ClinVar (database versions not stated): TOPMed 0.00063; 1000 Genomes Project 30x 0.00078; 1000 Genomes Project 0.00100; ESP Exome Variant Server 0.00115; gnomAD exomes 0.00187 and 0.00303; ExAC 0.00271; gnomAD 0.00283 and 0.00302.
gnomAD v4.1: 3,130 of 1,613,258 alleles (0.19%); highest among the groups gnomAD compares: Non-Finnish European, 0.12%; 32 homozygotes.

Submissions (4):

Labcorp Genetics (formerly Invitae), Labcorp
Classification: Benign for Orthostatic hypotension 1. Last evaluated: 2026-01-16. Review status: criteria provided, single submitter. Criteria: Invitae Variant Classification Sherloc (09022015). Collection method: clinical testing. Allele origin: germline.

Blueprint Genetics
Classification: Likely benign. Last evaluated: 2024-11-08. Review status: criteria provided, single submitter. Criteria: ACMG Guidelines, 2015. Collection method: clinical testing. Allele origin: germline.

Illumina Laboratory Services, Illumina
Classification: Benign for Orthostatic hypotension 1. Last evaluated: 2017-04-27. Review status: criteria provided, single submitter. Criteria: ICSL Variant Classification Criteria 13 December 2019. Collection method: clinical testing. Allele origin: germline.
Comment: This variant was observed as part of a predisposition screen in an ostensibly healthy population. A literature search was performed for the gene, cDNA change, and amino acid change (where applicable). No publications were found based on this search. Allele frequency data from public databases was too high to be consistent with this variant causing disease. Therefore, this variant is classified as benign.

PreventionGenetics, part of Exact Sciences
Classification: Likely benign for DBH-related condition. Last evaluated: 2024-09-09. Review status: no assertion criteria provided. Collection method: clinical testing. Allele origin: germline. Not counted in ClinVar's aggregate classification.
Comment: This variant is classified as likely benign based on ACMG/AMP sequence variant interpretation guidelines (Richards et al. 2015 PMID: 25741868, with internal and published modifications).

NM_000787.4(DBH):c.1819C>T (p.Pro607Ser)

Gene: DBH (dopamine beta-hydroxylase; plus strand). Cytogenetic location: 9q34.2.
Variant type: single nucleotide variant.
Coding change: c.1819C>T on transcript NM_000787.4 (MANE Select); coding-DNA position 1819, C replaced by T.
Protein change: p.Pro607Ser; replaces proline 607 with serine.
Molecular consequence: missense variant.
Genome position (GRCh38, 1-based): chr9:133,658,412, C>T. VCF-style: chr9-133658412-C-T. GRCh37 (hg19) VCF-style: chr9-136523534-C-T.
Other names: short protein forms P607S.
Identifiers: ClinVar variation 716643 (VCV000716643.16), dbSNP rs148806316, ClinGen allele CA5313722.
Genomic context (GRCh38, chr9:133,658,412, plus strand): 5'-TCCACACTGGAAGAGCCCACCCCACAGTGCCCCACCAGCCAGGGCCGAAGCCCTGCTGGC[C>T]CCACCGTTGTCAGCATTGGTGGGGGCAAAGGCTGAGGGGGGACCTACTCCTCCCCCTCCT-3'
Protein context (NP_000778.3, residues 597-617): PTSQGRSPAG[Pro607Ser]TVVSIGGGKG